The following is an entry in ClinVar:

NM_000128.4(F11):c.1777A>T (p.Thr593Ser)

Genes: F11 (coagulation factor XI; plus strand), F11-AS1 (F11 antisense RNA 1; minus strand). Cytogenetic location: 4q35.2.
Variant type: single nucleotide variant.
Coding change: c.1777A>T on transcript NM_000128.4 (MANE Select); coding-DNA position 1777, A replaced by T.
Protein change: p.Thr593Ser; replaces threonine 593 with serine.
Molecular consequence: missense variant. On other transcripts: non-coding transcript variant (1).
Genome position (GRCh38, 1-based): chr4:186,288,513, A>T. VCF-style: chr4-186288513-A-T. GRCh37 (hg19) VCF-style: chr4-187209667-A-T.
Other names: short protein forms T593S.
Identifiers: ClinVar variation 2893640 (VCV002893640.4), dbSNP rs1741382224, ClinGen allele CA358946061.

ClinVar aggregate classification (germline): Conflicting classifications of pathogenicity. Review status: criteria provided, conflicting classifications (1 of 4 stars). 2 submissions from 2 submitters: Likely pathogenic (1); Uncertain significance (1). Last evaluated 2024-12-07.

gnomAD v4.1: 1 of 1,614,168 alleles (0.000062%); highest among the groups gnomAD compares: Middle Eastern, 0.016%; no homozygotes.

Submissions (2):

GeneDx
Classification: Uncertain significance. Last evaluated: 2024-12-07. Review status: criteria provided, single submitter. Criteria: GeneDx Variant Classification Process June 2021. Collection method: clinical testing. Allele origin: germline. Affected: yes.
Comment: Not observed at significant frequency in large population cohorts (gnomAD); In silico analysis supports that this missense variant has a deleterious effect on protein structure/function; Has not been previously published as pathogenic or benign to our knowledge

Labcorp Genetics (formerly Invitae), Labcorp
Classification: Likely pathogenic. Last evaluated: 2023-01-24. Review status: criteria provided, single submitter. Criteria: Invitae Variant Classification Sherloc (09022015). Collection method: clinical testing. Allele origin: germline.
Comment: This sequence change replaces threonine, which is neutral and polar, with serine, which is neutral and polar, at codon 593 of the F11 protein (p.Thr593Ser). This variant is not present in population databases (gnomAD no frequency). In summary, the currently available evidence indicates that the variant is pathogenic, but additional data are needed to prove that conclusively. Therefore, this variant has been classified as Likely Pathogenic. This variant disrupts the p.Thr593 amino acid residue in F11. Other variant(s) that disrupt this residue have been determined to be pathogenic (PMID: 14717969, 15749683, 27067486). This suggests that this residue is clinically significant, and that variants that disrupt this residue are likely to be disease-causing. Advanced modeling of protein sequence and biophysical properties (such as structural, functional, and spatial information, amino acid conservation, physicochemical variation, residue mobility, and thermodynamic stability) performed at Invitae indicates that this missense variant is expected to disrupt F11 protein function. This variant has not been reported in the literature in individuals affected with F11-related conditions.

Literature cited by the submitters: PubMed 14717969 (cited by Labcorp Genetics (formerly Invitae), Labcorp); PubMed 15749683 (cited by Labcorp Genetics (formerly Invitae), Labcorp); PubMed 27067486 (cited by Labcorp Genetics (formerly Invitae), Labcorp).